The following is an entry in ClinVar:

ClinVar aggregate classification (germline): Likely benign. Review status: criteria provided, multiple submitters, no conflicts (2 of 4 stars). 3 submissions from 3 submitters: Likely benign (3). Last evaluated 2026-07-01.

Allele frequency attached by ClinVar (database versions not stated): 1000 Genomes Project 30x 0.00031; gnomAD exomes 0.00034 and 0.00036; gnomAD 0.00039 and 0.00041; 1000 Genomes Project 0.00040; ExAC 0.00044; TOPMed 0.00050; ESP Exome Variant Server 0.00092.
gnomAD v4.1: 560 of 1,612,952 alleles (0.035%); highest among the groups gnomAD compares: African/African-American, 0.064%; no homozygotes.

Submissions (4):

CeGaT Center for Human Genetics Tuebingen
Classification: Likely benign. Last evaluated: 2026-07-01. Review status: criteria provided, single submitter. Criteria: CeGaT Center For Human Genetics Tuebingen Variant Classification Criteria Version 2. Collection method: clinical testing. Allele origin: germline. Affected: yes. Observed: 2 variant alleles.
Comment: PLEKHG2: BP4, BP7

Labcorp Genetics (formerly Invitae), Labcorp
Classification: Likely benign. Last evaluated: 2025-11-27. Review status: criteria provided, single submitter. Criteria: Invitae Variant Classification Sherloc (09022015). Collection method: clinical testing. Allele origin: germline.

Breakthrough Genomics
Classification: Likely benign. Review status: criteria provided, single submitter. Criteria: ACMG Guidelines, 2015. Collection method: not provided. Allele origin: germline. Inheritance: Autosomal recessive inheritance. Affected: yes.

Dr. Peter K. Rogan Lab, Western University
No classification provided (evidence only). Condition: Colon adenocarcinoma. Review status: no classification provided. Collection method: in vitro. Allele origin: not applicable. Functional consequence: retained intron. Not counted in ClinVar's aggregate classification.

NM_022835.3(PLEKHG2):c.1104C>T (p.Ser368=)

Gene: PLEKHG2 (pleckstrin homology and RhoGEF domain containing G2; plus strand). Cytogenetic location: 19q13.2.
Variant type: single nucleotide variant.
Coding change: c.1104C>T on transcript NM_022835.3 (MANE Select); coding-DNA position 1104, C replaced by T.
Protein change: p.Ser368=; no amino-acid change (serine 368 retained).
Molecular consequence: synonymous variant.
Genome position (GRCh38, 1-based): chr19:39,418,754, C>T. VCF-style: chr19-39418754-C-T. GRCh37 (hg19) VCF-style: chr19-39909394-C-T.
Other names: c.927C>T, p.Ser309= (NM_001351693.2); c.1104C>T, p.Ser368= (NM_001351694.2).
Identifiers: ClinVar variation 727271 (VCV000727271.37), dbSNP rs146672674, ClinGen allele CA9429349.
Genomic context (GRCh38, chr19:39,418,754, plus strand): 5'-CCAAGGACTCTGAGCTTGCTACCCCTCTCTTTCCTTCCAGTGCTGCAACCTGAGCGTGAG[C>T]GAGAGTCCCCGAGACCCTCTAGGGTTCAAGGTGTCTGATCTGACCATTCCCAAGCACAGA-3'
Protein context (NP_073746.2, residues 358-378): GHIFCCNLSV[Ser368=]ESPRDPLGFK